The following is an entry in ClinVar:

ClinVar aggregate classification (germline): Uncertain significance. Review status: criteria provided, multiple submitters, no conflicts (2 of 4 stars). 2 submissions from 2 submitters: Uncertain significance (2). Last evaluated 2025-02-27.

Allele frequency attached by ClinVar (database versions not stated): gnomAD 0.00001; gnomAD exomes 0.00002 and 0.00003; TOPMed 0.00002; ExAC 0.00005; ESP Exome Variant Server 0.00008.
gnomAD v4.1: 30 of 1,612,922 alleles (0.0019%); highest among the groups gnomAD compares: Non-Finnish European, 0.0025%; no homozygotes.

Submissions (2):

Ambry Genetics
Classification: Uncertain significance. Last evaluated: 2025-02-27. Review status: criteria provided, single submitter. Criteria: Ambry Variant Classification Scheme 2023. Collection method: clinical testing. Allele origin: germline.

Labcorp Genetics (formerly Invitae), Labcorp
Classification: Uncertain significance. Last evaluated: 2021-04-30. Review status: criteria provided, single submitter. Criteria: Invitae Variant Classification Sherloc (09022015). Collection method: clinical testing. Allele origin: germline.
Comment: This sequence change replaces glycine with serine at codon 46 of the WNT3 protein (p.Gly46Ser). The glycine residue is highly conserved and there is a small physicochemical difference between glycine and serine. In summary, the available evidence is currently insufficient to determine the role of this variant in disease. Therefore, it has been classified as a Variant of Uncertain Significance. Algorithms developed to predict the effect of sequence changes on RNA splicing suggest that this variant may create or strengthen a splice site, but this prediction has not been confirmed by published transcriptional studies. Algorithms developed to predict the effect of missense changes on protein structure and function (SIFT, PolyPhen-2, Align-GVGD) all suggest that this variant is likely to be tolerated, but these predictions have not been confirmed by published functional studies and their clinical significance is uncertain. This variant has not been reported in the literature in individuals with WNT3-related conditions. This variant is present in population databases (rs376610330, ExAC 0.01%).

NM_030753.5(WNT3):c.136G>A (p.Gly46Ser)

Genes: LRRC37A2 (leucine rich repeat containing 37 member A2), WNT3 (Wnt family member 3; minus strand). Cytogenetic location: 17q21.31.
Variant type: single nucleotide variant.
Coding change: c.136G>A on transcript NM_030753.5 (MANE Select); coding-DNA position 136, G replaced by A.
Protein change: p.Gly46Ser; replaces glycine 46 with serine.
Molecular consequence: missense variant.
Genome position (GRCh38, 1-based): chr17:46,773,854, C>T on the plus strand (G>A on the coding strand, the complement: WNT3 is on the minus strand). VCF-style: chr17-46773854-C-T. GRCh37 (hg19) VCF-style: chr17-44851220-C-T.
Other names: c.136G>A (NM_030753.3); short protein forms G46S.
Identifiers: ClinVar variation 1506470 (VCV001506470.9), dbSNP rs376610330, ClinGen allele CA8620669.